The following is an entry in ClinVar:

ClinVar aggregate classification (germline): Uncertain significance (1 of 4 stars; one submission).

Submission:

GeneDx
Classification: Uncertain significance. Last evaluated: 2019-12-17. Review status: criteria provided, single submitter. Criteria: GeneDx Variant Classification Process June 2021. Collection method: clinical testing. Allele origin: germline. Affected: yes.
Comment: Not observed in large population cohorts (Lek et al., 2016); In silico analysis, which includes protein predictors and evolutionary conservation, supports a deleterious effect; Has not been previously published as pathogenic or benign to our knowledge

NM_001148.6(ANK2):c.7417C>T (p.Pro2473Ser)

Genes: ANK2 (ankyrin 2; plus strand), LOC126807137 (CDK7 strongly-dependent group 2 enhancer GRCh37_chr4:114276560-114277759; plus strand). Cytogenetic location: 4q26.
Variant type: single nucleotide variant.
Coding change: c.7417C>T on transcript NM_001148.6 (MANE Select); coding-DNA position 7417, C replaced by T.
Protein change: p.Pro2473Ser; replaces proline 2473 with serine.
Molecular consequence: missense variant. On other transcripts: intron variant (68).
Genome position (GRCh38, 1-based): chr4:113,356,035, C>T. VCF-style: chr4-113356035-C-T. GRCh37 (hg19) VCF-style: chr4-114277191-C-T.
Other names: c.7183C>T, p.Pro2395Ser (NM_001386142.1); c.3817C>T, p.Pro1273Ser (NM_001386166.1); c.7558C>T, p.Pro2520Ser (NM_001386174.1); c.7534C>T, p.Pro2512Ser (NM_001386175.1); c.4412-4788C>T (NM_001386186.2, NM_001386148.2); c.4214-4788C>T (NM_001354269.3); c.4292-4788C>T (NM_001386187.2); c.4253-4788C>T (NM_001386147.1); and 35 more; short protein forms P1273S, P2395S, P2473S, P2512S, P2520S.
Identifiers: ClinVar variation 1320418 (VCV001320418.2), dbSNP rs2154024692, ClinGen allele CA357930292.